The following is an entry in ClinVar:

ClinVar aggregate classification (germline): Likely pathogenic (1 of 4 stars; one submission).

Submission:

Mayo Clinic Laboratories, Mayo Clinic
Classification: Likely pathogenic. Last evaluated: 2021-05-13. Review status: criteria provided, single submitter. Criteria: ACMG Guidelines, 2015. Collection method: clinical testing. Allele origin: germline.
Comment: PVS1, PM2_supporting

NM_000186.4(CFH):c.3414_3421del (p.Gln1139fs)

Gene: CFH (complement factor H; plus strand). Cytogenetic location: 1q31.3.
Variant type: Deletion.
Coding change: c.3414_3421del on transcript NM_000186.4 (MANE Select); coding-DNA positions 3414 to 3421, 8 bases deleted (CCAGAACT; older notation c.3414_3421delCCAGAACT).
Protein change: p.Gln1139fs; shifts the reading frame from glutamine 1139.
Molecular consequence: frameshift variant.
Genome position (GRCh38, 1-based): chr1:196,745,920-196,745,927, CCAGAACT deleted. VCF-style (leftmost placement, unchanged base first): chr1-196745919-GCCAGAACT-G. GRCh37 (hg19) VCF-style: chr1-196715049-GCCAGAACT-G.
Other names: p.Gln1139Valfs*4; short protein forms Q1139fs.
Identifiers: ClinVar variation 1343356 (VCV001343356.4), dbSNP rs2149118044, ClinGen allele CA2573051444.
Genomic context (GRCh38, chr1:196,745,919, plus strand): 5'-GGGACATTACTTCATTCCCGTTGTCAGTATATGCTCCAGCTTCATCAGTTGAGTACCAAT[GCCAGAACT>G]TGTATCAACTTGAGGGTAACAAGCGAATAACATGTAGAAATGGACAATGGTCAGAACCAC-3'